The following is an entry in ClinVar:

NM_001267550.2(TTN):c.44540_44541del (p.Phe14847fs)

Gene: TTN (titin; minus strand). Cytogenetic location: 2q31.2.
Variant type: Deletion.
Coding change: c.44540_44541del on transcript NM_001267550.2 (MANE Select); coding-DNA positions 44540 to 44541, 2 bases deleted (TT; older notation c.44540_44541delTT).
Protein change: p.Phe14847fs; shifts the reading frame from phenylalanine 14847.
Molecular consequence: frameshift variant.
Genome position (GRCh38, 1-based): chr2:178,625,280-178,625,281, AA deleted on the plus strand (TT on the coding strand, the reverse complement: TTN is on the minus strand); deleting any 2 consecutive bases within chr2:178,625,280-178,625,282 gives the same sequence; the c. name uses the placement nearest the transcript's 3' end. VCF-style (leftmost placement, unchanged base first): chr2-178625279-CAA-C. GRCh37 (hg19) VCF-style: chr2-179490006-CAA-C.
Other names: c.39617_39618del, p.Phe13206fs (NM_001256850.1); c.17345_17346del, p.Phe5782fs (NM_003319.4); c.36836_36837del, p.Phe12279fs (NM_133378.4); c.17720_17721del, p.Phe5907fs (NM_133432.3); c.17921_17922del, p.Phe5974fs (NM_133437.4); short protein forms F12279fs, F13206fs, F5782fs, F5907fs, F14847fs, F5974fs.
Identifiers: ClinVar variation 2939361 (VCV002939361.3), dbSNP rs2471196281, ClinGen allele CA2662135627.

ClinVar aggregate classification (germline): Likely pathogenic (1 of 4 stars; one submission).

Conditions:
Dilated cardiomyopathy 1G (CMD1G). Identifiers: Orphanet 154, MedGen C1858763, MONDO:0011400, OMIM 604145.
Autosomal recessive limb-girdle muscular dystrophy type 2J (LGMDR10). Also called: Limb-girdle muscular dystrophy, type 2J; MUSCULAR DYSTROPHY, LIMB-GIRDLE, AUTOSOMAL RECESSIVE 10. Identifiers: Orphanet 140922, MedGen C1837342, MONDO:0012127, OMIM 608807.

Submission:

Labcorp Genetics (formerly Invitae), Labcorp
Classification: Likely pathogenic for Dilated cardiomyopathy 1G; Autosomal recessive limb-girdle muscular dystrophy type 2J. Last evaluated: 2024-10-18. Review status: criteria provided, single submitter. Criteria: Invitae Variant Classification Sherloc (09022015). Collection method: clinical testing. Allele origin: germline.
Comment: This sequence change creates a premature translational stop signal (p.Phe14847Cysfs*7) in the TTN gene. While this is not anticipated to result in nonsense mediated decay, it is expected to create a truncated TTN protein. This variant is not present in population databases (gnomAD no frequency). This variant has not been reported in the literature in individuals affected with TTN-related conditions. This variant is located in the I band of TTN (PMID: 25589632). Truncating variants in this region have been reported in individuals affected with autosomal recessive centronuclear myopathy (PMID: 23975875, internal data). Truncating variants in this region have also been identified in individuals affected with autosomal dominant dilated cardiomyopathy and/or cardio-related conditions (PMID: 27869827, 32964742, internal data). In summary, the currently available evidence indicates that the variant is pathogenic, but additional data are needed to prove that conclusively. Therefore, this variant has been classified as Likely Pathogenic.

Literature cited by the submitters: PubMed 25589632; PubMed 23975875; PubMed 27869827; PubMed 32964742.